The following is an entry in ClinVar:

NM_173630.4(RTTN):c.601A>C (p.Thr201Pro)

Gene: RTTN (rotatin; minus strand). Cytogenetic location: 18q22.2.
Variant type: single nucleotide variant.
Coding change: c.601A>C on transcript NM_173630.4 (MANE Select); coding-DNA position 601, A replaced by C.
Protein change: p.Thr201Pro; replaces threonine 201 with proline.
Molecular consequence: missense variant. On other transcripts: 5 prime UTR variant (1).
Genome position (GRCh38, 1-based): chr18:70,197,716, T>G on the plus strand (A>C on the coding strand, the complement: RTTN is on the minus strand). VCF-style: chr18-70197716-T-G. GRCh37 (hg19) VCF-style: chr18-67864952-T-G.
Other names: c.-1953A>C (NM_001318520.2); c.601A>C (NM_173630.3); short protein forms T201P.
Identifiers: ClinVar variation 2867653 (VCV002867653.4), dbSNP rs2513041386, ClinGen allele CA402700254.
Genomic context (GRCh38, chr18:70,197,716, plus strand): 5'-CAGCAGGAAAATCTTGCATGATAACATCCTTCAATAGTTCACAGGTGTTCCAGATTAAAG[T>G]GTGGTTACTACTTCTTAAAGAGCTACAAAACATAGCGTTAATCATTTTTAAGAAGAGTTC-3'
Protein context (NP_775901.3, residues 191-211): NESSLRSSNH[Thr201Pro]LIWNTCELLK

ClinVar aggregate classification (germline): Uncertain significance. Review status: criteria provided, multiple submitters, no conflicts (2 of 4 stars). 2 submissions from 2 submitters: Uncertain significance (2). Last evaluated 2025-01-10.

Conditions:
Inborn genetic diseases. Identifiers: MedGen C0950123, MeSH D030342.

gnomAD v4.1: 1 of 1,606,952 alleles (0.000062%); highest among the groups gnomAD compares: Non-Finnish European, 0.000085%; no homozygotes.

Submissions (2):

Ambry Genetics
Classification: Uncertain significance for Inborn genetic diseases. Last evaluated: 2025-01-10. Review status: criteria provided, single submitter. Criteria: Ambry Variant Classification Scheme 2023. Collection method: clinical testing. Allele origin: germline.

Labcorp Genetics (formerly Invitae), Labcorp
Classification: Uncertain significance. Last evaluated: 2023-08-04. Review status: criteria provided, single submitter. Criteria: Invitae Variant Classification Sherloc (09022015). Collection method: clinical testing. Allele origin: germline.
Comment: This sequence change replaces threonine, which is neutral and polar, with proline, which is neutral and non-polar, at codon 201 of the RTTN protein (p.Thr201Pro). In summary, the available evidence is currently insufficient to determine the role of this variant in disease. Therefore, it has been classified as a Variant of Uncertain Significance. Advanced modeling of protein sequence and biophysical properties (such as structural, functional, and spatial information, amino acid conservation, physicochemical variation, residue mobility, and thermodynamic stability) performed at Invitae indicates that this missense variant is not expected to disrupt RTTN protein function. This variant has not been reported in the literature in individuals affected with RTTN-related conditions. This variant is not present in population databases (gnomAD no frequency).